The following is an entry in ClinVar:

NM_000988.5(RPL27):c.180G>A (p.Lys60=)

Gene: RPL27 (ribosomal protein L27; plus strand). Cytogenetic location: 17q21.31.
Variant type: single nucleotide variant.
Coding change: c.180G>A on transcript NM_000988.5 (MANE Select); coding-DNA position 180, G replaced by A.
Protein change: p.Lys60=; no amino-acid change (lysine 60 retained).
Molecular consequence: synonymous variant.
Genome position (GRCh38, 1-based): chr17:43,000,031, G>A. VCF-style: chr17-43000031-G-A. GRCh37 (hg19) VCF-style: chr17-41152048-G-A.
Other names: p.Lys60=; c.180G>A, p.Lys60= (NM_001349921.2, NM_001349922.2).
Identifiers: ClinVar variation 715462 (VCV000715462.34), dbSNP rs11538131, ClinGen allele CA8588947.
Genomic context (GRCh38, chr17:43,000,031, plus strand): 5'-TGCTCTGGTGGCTGGAATTGACCGCTACCCCCGCAAAGTGACAGCTGCCATGGGCAAGAA[G>A]AAGATCGCCAAGAGATCAAAGATAAAATCTTTTGTGAAAGTGTATAACTACAATCACCTA-3'
Protein context (NP_000979.1, residues 50-70): PRKVTAAMGK[Lys60=]KIAKRSKIKS

ClinVar aggregate classification (germline): Benign/Likely benign. Review status: criteria provided, multiple submitters, no conflicts (2 of 4 stars). 4 submissions from 4 submitters: Benign (1); Likely benign (3). Last evaluated 2026-01-20.

Allele frequency attached by ClinVar (database versions not stated): 1000 Genomes Project 30x 0.00078; 1000 Genomes Project 0.00080; TOPMed 0.00280; ESP Exome Variant Server 0.00300.
gnomAD v4.1: 5,851 of 1,612,866 alleles (0.36%); highest among the groups gnomAD compares: Middle Eastern, 0.57%; 24 homozygotes.

Submissions (4):

Labcorp Genetics (formerly Invitae), Labcorp
Classification: Benign. Last evaluated: 2026-01-20. Review status: criteria provided, single submitter. Criteria: Invitae Variant Classification Sherloc (09022015). Collection method: clinical testing. Allele origin: germline.

CeGaT Center for Human Genetics Tuebingen
Classification: Likely benign. Last evaluated: 2025-12-01. Review status: criteria provided, single submitter. Criteria: CeGaT Center For Human Genetics Tuebingen Variant Classification Criteria Version 2. Collection method: clinical testing. Allele origin: germline. Affected: yes. Observed: 4 variant alleles.
Comment: RPL27: BP4, BS2

Mayo Clinic Laboratories, Mayo Clinic
Classification: Likely benign. Last evaluated: 2025-10-17. Review status: criteria provided, single submitter. Criteria: ACMG Guidelines, 2015. Collection method: clinical testing. Allele origin: germline. Observed: 1 variant allele.
Comment: BP4, BP7

Blueprint Genetics
Classification: Likely benign. Last evaluated: 2024-11-28. Review status: criteria provided, single submitter. Criteria: ACMG Guidelines, 2015. Collection method: clinical testing. Allele origin: germline.